The following is an entry in ClinVar:

ClinVar aggregate classification (germline): Uncertain significance (1 of 4 stars; one submission).

Submission:

Labcorp Genetics (formerly Invitae), Labcorp
Classification: Uncertain significance. Last evaluated: 2022-01-04. Review status: criteria provided, single submitter. Criteria: Invitae Variant Classification Sherloc (09022015). Collection method: clinical testing. Allele origin: germline.
Comment: This variant has not been reported in the literature in individuals affected with POLE-related conditions. In summary, the available evidence is currently insufficient to determine the role of this variant in disease. Therefore, it has been classified as a Variant of Uncertain Significance. Algorithms developed to predict the effect of missense changes on protein structure and function (SIFT, PolyPhen-2, Align-GVGD) all suggest that this variant is likely to be disruptive. This variant is not present in population databases (gnomAD no frequency). This sequence change replaces leucine, which is neutral and non-polar, with valine, which is neutral and non-polar, at codon 979 of the POLE protein (p.Leu979Val).

NM_006231.4(POLE):c.2935C>G (p.Leu979Val)

Gene: POLE (DNA polymerase epsilon, catalytic subunit; minus strand). Cytogenetic location: 12q24.33.
Variant type: single nucleotide variant.
Coding change: c.2935C>G on transcript NM_006231.4 (MANE Select); coding-DNA position 2935, C replaced by G.
Protein change: p.Leu979Val; replaces leucine 979 with valine.
Molecular consequence: missense variant.
Genome position (GRCh38, 1-based): chr12:132,661,094, G>C on the plus strand (C>G on the coding strand, the complement: POLE is on the minus strand). VCF-style: chr12-132661094-G-C. GRCh37 (hg19) VCF-style: chr12-133237680-G-C.
Other names: short protein forms L979V.
Identifiers: ClinVar variation 2074899 (VCV002074899.4), dbSNP rs56081968, ClinGen allele CA387392612.